The following is an entry in ClinVar:

ClinVar aggregate classification (germline): Uncertain significance (1 of 4 stars; one submission).

Conditions:
Long QT syndrome (LQTS). Identifiers: MedGen C0023976, MeSH D008133, MONDO:0002442. Disease mechanism: loss of function. Inheritance: Various modes of inheritance.

Submission:

Labcorp Genetics (formerly Invitae), Labcorp
Classification: Uncertain significance for Long QT syndrome. Last evaluated: 2022-07-05. Review status: criteria provided, single submitter. Criteria: Invitae Variant Classification Sherloc (09022015). Collection method: clinical testing. Allele origin: germline.
Comment: In summary, the available evidence is currently insufficient to determine the role of this variant in disease. Therefore, it has been classified as a Variant of Uncertain Significance. Algorithms developed to predict the effect of sequence changes on RNA splicing suggest that this variant may create or strengthen a splice site. Algorithms developed to predict the effect of missense changes on protein structure and function are either unavailable or do not agree on the potential impact of this missense change (SIFT: "Deleterious"; PolyPhen-2: "Probably Damaging"; Align-GVGD: "Class C0"). ClinVar contains an entry for this variant (Variation ID: 1016255). This variant has not been reported in the literature in individuals affected with CACNA1C-related conditions. This variant is not present in population databases (gnomAD no frequency). This sequence change replaces glutamic acid, which is acidic and polar, with valine, which is neutral and non-polar, at codon 2062 of the CACNA1C protein (p.Glu2062Val).

NM_000719.7(CACNA1C):c.6185A>T (p.Glu2062Val)

Genes: CACNA1C (calcium voltage-gated channel subunit alpha1 C; plus strand), CACNA1C-AS1 (CACNA1C antisense RNA 1; minus strand). Cytogenetic location: 12p13.33.
Variant type: single nucleotide variant.
Coding change: c.6185A>T on transcript NM_000719.7 (MANE Select); coding-DNA position 6185, A replaced by T.
Protein change: p.Glu2062Val; replaces glutamic acid 2062 with valine.
Molecular consequence: missense variant. On other transcripts: non-coding transcript variant (1).
Genome position (GRCh38, 1-based): chr12:2,690,967, A>T. VCF-style: chr12-2690967-A-T. GRCh37 (hg19) VCF-style: chr12-2800133-A-T.
Other names: c.6329A>T, p.Glu2110Val (NM_001129827.2); c.6308A>T, p.Glu2103Val (NM_001129829.2); c.6290A>T, p.Glu2097Val (NM_001129830.3, NM_001167624.3); c.6269A>T, p.Glu2090Val (NM_001129831.2); c.6245A>T, p.Glu2082Val (NM_001129832.2); c.6242A>T, p.Glu2081Val (NM_001129833.2, NM_001129834.2, NM_001129835.2); c.6236A>T, p.Glu2079Val (NM_001129836.2); c.6209A>T, p.Glu2070Val (NM_001129837.2, NM_001129838.2); and 6 more; short protein forms E2051V, E2059V, E2062V, E2068V, E2070V, E2079V, E2081V, E2082V.
Identifiers: ClinVar variation 1016255 (VCV001016255.9), dbSNP rs2097779002, ClinGen allele CA383386297.
Genomic context (GRCh38, chr12:2,690,967, plus strand): 5'-TTTCAGAAGGACTGGGGCAGTTTGCTCAAGATCCCAAGTTCATCGAGGTCACCACCCAGG[A>T]GCTGGCCGACGCCTGCGACATGACCATAGAGGAGATGGAGAGCGCGGCCGACAACATCCT-3'
Protein context (NP_000710.5, residues 2052-2072): DPKFIEVTTQ[Glu2062Val]LADACDMTIE